The following is an entry in ClinVar:

ClinVar aggregate classification (germline): Benign (1 of 4 stars; one submission).

Conditions:
Osteogenesis imperfecta type 10 (OI10). Also called: OI, TYPE X. Identifiers: Orphanet 666, MedGen C3151211, MONDO:0013459, OMIM 613848.

Allele frequency attached by ClinVar (database versions not stated): gnomAD exomes 0.00022; gnomAD 0.00419 and 0.00443; TOPMed 0.00495; 1000 Genomes Project 0.00699; 1000 Genomes Project 30x 0.00796.
gnomAD v4.1: 632 of 157,096 alleles (0.4%); highest among the groups gnomAD compares: African/African-American, 1.4%; 6 homozygotes.

Submission:

Illumina Laboratory Services, Illumina
Classification: Benign for Osteogenesis imperfecta type 10. Last evaluated: 2018-01-13. Review status: criteria provided, single submitter. Criteria: ICSL Variant Classification Criteria 13 December 2019. Collection method: clinical testing. Allele origin: germline.
Comment: This variant was observed in the ICSL laboratory as part of a predisposition screen in an ostensibly healthy population. It had not been previously curated by ICSL or reported in the Human Gene Mutation Database (HGMD: prior to June 1st, 2018), and was therefore a candidate for classification through an automated scoring system. Utilizing variant allele frequency, disease prevalence and penetrance estimates, and inheritance mode, an automated score was calculated to assess if this variant is too frequent to cause the disease. Based on the score and internal cut-off values, a variant classified as benign is not then subjected to further curation. The score for this variant resulted in a classification of benign for this disease.

NM_001235.5(SERPINH1):c.*580T>G

Gene: SERPINH1 (serpin family H member 1; plus strand). Cytogenetic location: 11q13.5.
Variant type: single nucleotide variant.
Coding change: c.*580T>G on transcript NM_001235.5 (MANE Select); 580 bases downstream of the stop codon, T replaced by G.
Molecular consequence: 3 prime UTR variant.
Genome position (GRCh38, 1-based): chr11:75,572,663, T>G. VCF-style: chr11-75572663-T-G. GRCh37 (hg19) VCF-style: chr11-75283708-T-G.
Other names: c.*580T>G (NM_001207014.3).
Identifiers: ClinVar variation 306124 (VCV000306124.5), dbSNP rs145619367, ClinGen allele CA10639448.